The following is an entry in ClinVar:

ClinVar aggregate classification (germline): Likely benign (1 of 4 stars; one submission).

Conditions:
Breast-ovarian cancer, familial, susceptibility to, 3. Also called: RAD51C-Related Breast/Ovarian Cancer. Identifiers: Orphanet 145, MedGen C3150659, MONDO:0013253, OMIM 613399.

Submission:

Myriad Genetics, Inc.
Classification: Likely benign for Breast-ovarian cancer, familial, susceptibility to, 3. Last evaluated: 2025-02-19. Review status: criteria provided, single submitter. Criteria: Myriad Autosomal Dominant, Autosomal Recessive and X-Linked Classification Criteria (2023). Collection method: clinical testing. Allele origin: unknown.
Comment: This variant is considered likely benign. This variant is intronic and is not expected to impact mRNA splicing.

NM_058216.3(RAD51C):c.838-10G>C

Gene: RAD51C (RAD51 paralog C; plus strand). Cytogenetic location: 17q22.
Variant type: single nucleotide variant.
Coding change: c.838-10G>C on transcript NM_058216.3 (MANE Select); 10 bases into the intron before coding-DNA position 838, G replaced by C.
Molecular consequence: intron variant.
Genome position (GRCh38, 1-based): chr17:58,720,736, G>C. VCF-style: chr17-58720736-G-C. GRCh37 (hg19) VCF-style: chr17-56798097-G-C.
Identifiers: ClinVar variation 3904382 (VCV003904382.1).
Genomic context (GRCh38, chr17:58,720,736, plus strand): 5'-TTGGCCAGACTGGTCTACTTGATAATTTTCAAAGAGACTCACCTAATTTTCTTACATTTT[G>C]TTTTTGTAGGTAATTTTAACCAATCAGATGACAACAAAGATTGATAGAAATCAGGCCTTG-3'